The following is an entry in ClinVar:

NM_022124.6(CDH23):c.10060_10062del (p.Leu3354del)

Gene: CDH23 (cadherin related 23; plus strand). Cytogenetic location: 10q22.1.
Variant type: Deletion.
Coding change: c.10060_10062del on transcript NM_022124.6 (MANE Select); coding-DNA positions 10060 to 10062, 3 bases deleted (CTG; older notation c.10060_10062delCTG).
Protein change: p.Leu3354del; deletes leucine 3354.
Molecular consequence: inframe deletion.
Genome position (GRCh38, 1-based): chr10:71,815,273-71,815,275, CTG deleted; deleting any 3 consecutive bases within chr10:71,815,272-71,815,275 gives the same sequence; the c. name uses the placement nearest the transcript's 3' end. VCF-style (leftmost placement, unchanged base first): chr10-71815271-AGCT-A. GRCh37 (hg19) VCF-style: chr10-73575028-AGCT-A.
Other names: c.3340_3342del, p.Leu1114del (NM_001171933.1); c.3235_3237del, p.Leu1079del (NM_001171934.1); c.751_753del, p.Leu251del (NM_001171935.1); c.646_648del, p.Leu216del (NM_001171936.1); short protein forms L216del, L3354del, L1079del, L251del, L1114del.
Identifiers: ClinVar variation 1899181 (VCV001899181.2), dbSNP rs1842097676, ClinGen allele CA1918896198.
Genomic context (GRCh38, chr10:71,815,271, plus strand): 5'-AATCCACACCCCTGCACAAACTTCGCGACGTGATCATGGAGACCCCCCTGGAGATCACAG[AGCT>A]GTGACTAGACAGGGAAGCCTTGTGGGTGTGAGCAGCACCCATCCACCGTCCCCTCCCAGG-3'

ClinVar aggregate classification (germline): Uncertain significance (1 of 4 stars; one submission).

Submission:

Labcorp Genetics (formerly Invitae), Labcorp
Classification: Uncertain significance. Last evaluated: 2022-03-01. Review status: criteria provided, single submitter. Criteria: Invitae Variant Classification Sherloc (09022015). Collection method: clinical testing. Allele origin: germline.
Comment: This sequence change creates a premature translational stop signal (p.Leu3354*) in the CDH23 gene. While this is not anticipated to result in nonsense mediated decay, it is expected to disrupt the last 1 amino acid(s) of the CDH23 protein. This variant is not present in population databases (gnomAD no frequency). This variant has not been reported in the literature in individuals affected with CDH23-related conditions. Experimental studies and prediction algorithms are not available or were not evaluated, and the functional significance of this variant is currently unknown. In summary, the available evidence is currently insufficient to determine the role of this variant in disease. Therefore, it has been classified as a Variant of Uncertain Significance.